The following is an entry in ClinVar:

ClinVar aggregate classification (germline): Uncertain significance (1 of 4 stars; one submission).

Submission:

GeneDx
Classification: Uncertain significance. Last evaluated: 2023-05-02. Review status: criteria provided, single submitter. Criteria: GeneDx Variant Classification Process June 2021. Collection method: clinical testing. Allele origin: germline. Affected: yes.
Comment: Not observed at significant frequency in large population cohorts (gnomAD); In silico analysis supports that this missense variant does not alter protein structure/function; Has not been previously published as pathogenic or benign to our knowledge

NM_015100.4(POGZ):c.898A>G (p.Ser300Gly)

Gene: POGZ (pogo transposable element derived with ZNF domain; minus strand). Cytogenetic location: 1q21.3.
Variant type: single nucleotide variant.
Coding change: c.898A>G on transcript NM_015100.4 (MANE Select); coding-DNA position 898, A replaced by G.
Protein change: p.Ser300Gly; replaces serine 300 with glycine.
Molecular consequence: missense variant.
Genome position (GRCh38, 1-based): chr1:151,428,003, T>C on the plus strand (A>G on the coding strand, the complement: POGZ is on the minus strand). VCF-style: chr1-151428003-T-C. GRCh37 (hg19) VCF-style: chr1-151400479-T-C.
Other names: c.871A>G, p.Ser291Gly (NM_001194937.2); c.712A>G, p.Ser238Gly (NM_001194938.2); c.919A>G, p.Ser307Gly (NM_001410860.1); c.613A>G, p.Ser205Gly (NM_145796.4); c.739A>G, p.Ser247Gly (NM_207171.2); short protein forms S205G, S238G, S247G, S291G, S300G, S307G.
Identifiers: ClinVar variation 2663432 (VCV002663432.1), dbSNP rs2529500161, ClinGen allele CA341976642.